The following is an entry in ClinVar:

NM_005732.4(RAD50):c.1555C>T (p.Arg519Cys)

Gene: RAD50 (RAD50 double strand break repair protein; plus strand). Cytogenetic location: 5q31.1.
Variant type: single nucleotide variant.
Coding change: c.1555C>T on transcript NM_005732.4 (MANE Select); coding-DNA position 1555, C replaced by T.
Protein change: p.Arg519Cys; replaces arginine 519 with cysteine.
Molecular consequence: missense variant.
Genome position (GRCh38, 1-based): chr5:132,591,326, C>T. VCF-style: chr5-132591326-C-T. GRCh37 (hg19) VCF-style: chr5-131927018-C-T.
Other names: short protein forms R519C.
Identifiers: ClinVar variation 184760 (VCV000184760.15), dbSNP rs753680691, ClinGen allele CA189969.

ClinVar aggregate classification (germline): Uncertain significance. Review status: criteria provided, multiple submitters, no conflicts (2 of 4 stars). 2 submissions from 2 submitters: Uncertain significance (2). Last evaluated 2024-12-16.

Conditions:
Hereditary cancer-predisposing syndrome. Also called: Hereditary neoplastic syndrome; Neoplastic Syndromes, Hereditary; Tumor predisposition; Hereditary Cancer Syndrome. Identifiers: Orphanet 140162, MedGen C0027672, MeSH D009386, MONDO:0015356.

Allele frequency attached by ClinVar (database versions not stated): TOPMed below 0.00001.
gnomAD v4.1: 3 of 1,613,748 alleles (0.00019%); highest among the groups gnomAD compares: East Asian, 0.0045%; no homozygotes.

Submissions (2):

Ambry Genetics
Classification: Uncertain significance for Hereditary cancer-predisposing syndrome. Last evaluated: 2024-12-16. Review status: criteria provided, single submitter. Criteria: Ambry Variant Classification Scheme 2023. Collection method: clinical testing. Allele origin: germline.
Comment: The p.R519C variant (also known as c.1555C>T), located in coding exon 10 of the RAD50 gene, results from a C to T substitution at nucleotide position 1555. The arginine at codon 519 is replaced by cysteine, an amino acid with highly dissimilar properties. This amino acid position is highly conserved in available vertebrate species. In addition, this alteration is predicted to be deleterious by in silico analysis. Since supporting evidence is limited at this time, the clinical significance of this alteration remains unclear.

Labcorp Genetics (formerly Invitae), Labcorp
Classification: Uncertain significance for Hereditary cancer-predisposing syndrome. Last evaluated: 2024-11-12. Review status: criteria provided, single submitter. Criteria: Invitae Variant Classification Sherloc (09022015). Collection method: clinical testing. Allele origin: germline.
Comment: This sequence change replaces arginine, which is basic and polar, with cysteine, which is neutral and slightly polar, at codon 519 of the RAD50 protein (p.Arg519Cys). This variant is present in population databases (rs753680691, gnomAD 0.01%). This variant has not been reported in the literature in individuals affected with RAD50-related conditions. ClinVar contains an entry for this variant (Variation ID: 184760). Invitae Evidence Modeling of protein sequence and biophysical properties (such as structural, functional, and spatial information, amino acid conservation, physicochemical variation, residue mobility, and thermodynamic stability) indicates that this missense variant is expected to disrupt RAD50 protein function with a positive predictive value of 80%. In summary, the available evidence is currently insufficient to determine the role of this variant in disease. Therefore, it has been classified as a Variant of Uncertain Significance.